The following is an entry in ClinVar:

NM_000338.3(SLC12A1):c.2653T>C (p.Ser885Pro)

Gene: SLC12A1 (solute carrier family 12 member 1; plus strand). Cytogenetic location: 15q21.1.
Variant type: single nucleotide variant.
Coding change: c.2653T>C on transcript NM_000338.3 (MANE Select); coding-DNA position 2653, T replaced by C.
Protein change: p.Ser885Pro; replaces serine 885 with proline.
Molecular consequence: missense variant.
Genome position (GRCh38, 1-based): chr15:48,288,066, T>C. VCF-style: chr15-48288066-T-C. GRCh37 (hg19) VCF-style: chr15-48580263-T-C.
Other names: c.2653T>C, p.Ser885Pro (NM_001184832.2, NM_001384136.1); short protein forms S885P.
Identifiers: ClinVar variation 1299395 (VCV001299395.3), dbSNP rs375157909, ClinGen allele CA7547482.
Genomic context (GRCh38, chr15:48,288,066, plus strand): 5'-AAAGCAAACAGATGCATCAATTCCTCTTTCGTTTCAGATGGCAGCATTAACACAAGCCAG[T>C]CGATGCATGTGGGAGAGTTCAACCAGAAACTGGTGGAAGCCAGCACTCAATTTAAAAAGA-3'
Protein context (NP_000329.2, residues 875-895): KKDGSINTSQ[Ser885Pro]MHVGEFNQKL

ClinVar aggregate classification (germline): Uncertain significance. Review status: criteria provided, multiple submitters, no conflicts (2 of 4 stars). 2 submissions from 2 submitters: Uncertain significance (2). Last evaluated 2024-05-09.

Conditions:
Bartter disease type 1. Also called: HYPOKALEMIC ALKALOSIS WITH HYPERCALCIURIA 1, ANTENATAL; Bartter syndrome, type 1, antenatal; Bartter Syndrome type 1; HYPERPROSTAGLANDIN E SYNDROME 1. Identifiers: Orphanet 112, Orphanet 620217, MedGen C1866495, MONDO:0100344, OMIM 601678, MONDO:0011127.

Allele frequency attached by ClinVar (database versions not stated): gnomAD exomes 0.00004; ExAC 0.00007; ESP Exome Variant Server 0.00008; 1000 Genomes Project 30x 0.00016; 1000 Genomes Project 0.00020.
gnomAD v4.1: 43 of 1,611,126 alleles (0.0027%); highest among the groups gnomAD compares: Middle Eastern, 0.016%; no homozygotes.

Submissions (2):

Fulgent Genetics
Classification: Uncertain significance for Bartter disease type 1. Last evaluated: 2024-05-09. Review status: criteria provided, single submitter. Criteria: ACMG Guidelines, 2015. Collection method: clinical testing. Allele origin: germline.

Breda Genetics srl
Classification: Uncertain significance for Bartter disease type 1. Last evaluated: 2021-05-18. Review status: criteria provided, single submitter. Criteria: ACMG Guidelines, 2015. Collection method: clinical testing. Allele origin: germline. Inheritance: Autosomal recessive inheritance. Affected: yes. Observed: 1 variant allele, 1 heterozygote.
Comment: Based on allele frequency, in-silico prediction scores and a certain overlap with the clinical phenotype, we interpreted this variant at least as of uncertain significance. The lack of one or more of the following features has discouraged further investigations: lack of a possible second hit in autosomal recessive conditions, presence of healthy controls in databases for autosomal dominant conditions, presence of unmatching cardinal clinical features in the patient or in the known gene-disease association, and/or variant type outside the known gene mutational spectrum.